The following is an entry in ClinVar:

ClinVar aggregate classification (germline): Uncertain significance (0 of 4 stars; one submission).

Conditions:
GABRB3-related disorder. Also called: GABRB3-related condition.

Submission:

PreventionGenetics, part of Exact Sciences
Classification: Uncertain significance for GABRB3-related condition. Last evaluated: 2024-06-11. Review status: no assertion criteria provided. Collection method: clinical testing. Allele origin: germline.
Comment: The GABRB3 c.377A>T variant is predicted to result in the amino acid substitution p.Asp126Val. To our knowledge, this variant has not been reported in the literature or in a large population database, indicating this variant is rare. At this time, the clinical significance of this variant is uncertain due to the absence of conclusive functional and genetic evidence.

NM_000814.6(GABRB3):c.377A>T (p.Asp126Val)

Gene: GABRB3 (gamma-aminobutyric acid type A receptor subunit beta3; minus strand). Cytogenetic location: 15q12.
Variant type: single nucleotide variant.
Coding change: c.377A>T on transcript NM_000814.6 (MANE Select); coding-DNA position 377, A replaced by T.
Protein change: p.Asp126Val; replaces aspartic acid 126 with valine.
Molecular consequence: missense variant. On other transcripts: non-coding transcript variant (1).
Genome position (GRCh38, 1-based): chr15:26,621,398, T>A on the plus strand (A>T on the coding strand, the complement: GABRB3 is on the minus strand). VCF-style: chr15-26621398-T-A. GRCh37 (hg19) VCF-style: chr15-26866545-T-A.
Other names: c.122A>T, p.Asp41Val (NM_001191320.2, NM_001278631.2); c.164A>T, p.Asp55Val (NM_001191321.3); c.377A>T, p.Asp126Val (NM_021912.5); short protein forms D126V, D41V, D55V.
Identifiers: ClinVar variation 3346543 (VCV003346543.1).